The following is an entry in ClinVar:

ClinVar aggregate classification (germline): Likely pathogenic. Review status: criteria provided, multiple submitters, no conflicts (2 of 4 stars). 2 submissions from 2 submitters: Likely pathogenic (2). Last evaluated 2024-09-10.

Conditions:
Hereditary factor XI deficiency disease. Also called: PLASMA THROMBOPLASTIN ANTECEDENT DEFICIENCY; PTA DEFICIENCY; ROSENTHAL SYNDROME; Congenital factor XI deficiency. Identifiers: Orphanet 329, MedGen C0015523, MeSH D005173, MONDO:0012897, OMIM 612416.

Submissions (2):

3billion
Classification: Likely pathogenic for Hereditary factor XI deficiency disease. Last evaluated: 2024-09-10. Review status: criteria provided, single submitter. Criteria: ACMG Guidelines, 2015. Collection method: clinical testing. Allele origin: germline. Affected: yes.
Comment: The variant is not observed in the gnomAD v4.0.0 dataset. Predicted Consequence/Location: Canonical splice site: predicted to alter splicing and result in a loss or disruption of normal protein function. Multiple pathogenic loss-of-function variants are reported downstream of the variant. In silico tools predict the variant to alter splicing and produce an abnormal transcript [SpliceAI: 0.76 (spliceogenicity >=0.2, non-spliceogenicity <0.1)]. Therefore, this variant is classified as Likely pathogenic according to the recommendation of ACMG/AMP guideline.

Labcorp Genetics (formerly Invitae), Labcorp
Classification: Likely pathogenic. Last evaluated: 2023-12-03. Review status: criteria provided, single submitter. Criteria: Invitae Variant Classification Sherloc (09022015). Collection method: clinical testing. Allele origin: germline.
Comment: This sequence change affects a donor splice site in intron 8 of the F11 gene. It is expected to disrupt RNA splicing. Variants that disrupt the donor or acceptor splice site typically lead to a loss of protein function (PMID: 16199547), and loss-of-function variants in F11 are known to be pathogenic (PMID: 23929304). This variant is not present in population databases (gnomAD no frequency). This variant has not been reported in the literature in individuals affected with F11-related conditions. Algorithms developed to predict the effect of sequence changes on RNA splicing suggest that this variant may disrupt the consensus splice site. In summary, the currently available evidence indicates that the variant is pathogenic, but additional data are needed to prove that conclusively. Therefore, this variant has been classified as Likely Pathogenic.

Literature cited by the submitters: PubMed 16199547 (cited by Labcorp Genetics (formerly Invitae), Labcorp); PubMed 23929304 (cited by Labcorp Genetics (formerly Invitae), Labcorp).

NM_000128.4(F11):c.865+2T>C

Gene: F11 (coagulation factor XI; plus strand). Cytogenetic location: 4q35.2.
Variant type: single nucleotide variant.
Coding change: c.865+2T>C on transcript NM_000128.4 (MANE Select); the canonical splice donor site of the intron after coding-DNA position 865, T replaced by C.
Molecular consequence: splice donor variant.
Genome position (GRCh38, 1-based): chr4:186,280,123, T>C. VCF-style: chr4-186280123-T-C. GRCh37 (hg19) VCF-style: chr4-187201277-T-C.
Identifiers: ClinVar variation 2700644 (VCV002700644.4), dbSNP rs2477325641, ClinGen allele CA358937481.